The following is an entry in ClinVar:

NM_000283.4(PDE6B):c.1612G>A (p.Glu538Lys)

Gene: PDE6B (phosphodiesterase 6B; plus strand). Cytogenetic location: 4p16.3.
Variant type: single nucleotide variant.
Coding change: c.1612G>A on transcript NM_000283.4 (MANE Select); coding-DNA position 1612, G replaced by A.
Protein change: p.Glu538Lys; replaces glutamic acid 538 with lysine.
Molecular consequence: missense variant.
Genome position (GRCh38, 1-based): chr4:660,611, G>A. VCF-style: chr4-660611-G-A. GRCh37 (hg19) VCF-style: chr4-654400-G-A.
Other names: c.1612G>A, p.Glu538Lys (NM_001145291.2); c.775G>A, p.Glu259Lys (NM_001145292.2, NM_001350154.3, NM_001379246.1 and 1 more transcripts); c.457G>A, p.Glu153Lys (NM_001350155.3); short protein forms E538K, E259K, E153K.
Identifiers: ClinVar variation 2719392 (VCV002719392.4), dbSNP rs147847379, ClinGen allele CA2794591.

ClinVar aggregate classification (germline): Uncertain significance. Review status: criteria provided, multiple submitters, no conflicts (2 of 4 stars). 2 submissions from 2 submitters: Uncertain significance (2). Last evaluated 2024-10-03.

Allele frequency attached by ClinVar (database versions not stated): ExAC 0.00001; TOPMed 0.00002; ESP Exome Variant Server 0.00015.
gnomAD v4.1: 10 of 1,613,592 alleles (0.00062%); highest among the groups gnomAD compares: South Asian, 0.0044%; no homozygotes.

Submissions (2):

Labcorp Genetics (formerly Invitae), Labcorp
Classification: Uncertain significance. Last evaluated: 2024-10-03. Review status: criteria provided, single submitter. Criteria: Invitae Variant Classification Sherloc (09022015). Collection method: clinical testing. Allele origin: germline.
Comment: This sequence change replaces glutamic acid, which is acidic and polar, with lysine, which is basic and polar, at codon 538 of the PDE6B protein (p.Glu538Lys). This variant is present in population databases (rs147847379, gnomAD 0.003%). This variant has not been reported in the literature in individuals affected with PDE6B-related conditions. An algorithm developed to predict the effect of missense changes on protein structure and function (PolyPhen-2) suggests that this variant is likely to be tolerated. In summary, the available evidence is currently insufficient to determine the role of this variant in disease. Therefore, it has been classified as a Variant of Uncertain Significance.

Blueprint Genetics
Classification: Uncertain significance. Last evaluated: 2023-12-05. Review status: criteria provided, single submitter. Criteria: ACMG Guidelines, 2015. Collection method: clinical testing. Allele origin: germline.